The following is an entry in ClinVar:

ClinVar aggregate classification (germline): Uncertain significance. Review status: criteria provided, multiple submitters, no conflicts (2 of 4 stars). 2 submissions from 2 submitters: Uncertain significance (2). Last evaluated 2024-04-05.

Allele frequency attached by ClinVar (database versions not stated): gnomAD 0.00001; gnomAD exomes 0.00001; ExAC 0.00002.
gnomAD v4.1: 16 of 1,613,524 alleles (0.00099%); highest among the groups gnomAD compares: Admixed American, 0.0017%; no homozygotes.

Submissions (2):

Blueprint Genetics
Classification: Uncertain significance. Last evaluated: 2024-04-05. Review status: criteria provided, single submitter. Criteria: ACMG Guidelines, 2015. Collection method: clinical testing. Allele origin: germline.

Labcorp Genetics (formerly Invitae), Labcorp
Classification: Uncertain significance. Last evaluated: 2021-08-28. Review status: criteria provided, single submitter. Criteria: Invitae Variant Classification Sherloc (09022015). Collection method: clinical testing. Allele origin: germline.
Comment: This sequence change replaces aspartic acid with alanine at codon 555 of the PCDH15 protein (p.Asp555Ala). The aspartic acid residue is moderately conserved and there is a moderate physicochemical difference between aspartic acid and alanine. This variant is present in population databases (rs766479265, ExAC 0.003%). This variant has not been reported in the literature in individuals affected with PCDH15-related conditions. Algorithms developed to predict the effect of missense changes on protein structure and function are either unavailable or do not agree on the potential impact of this missense change (SIFT: "Tolerated"; PolyPhen-2: "Possibly Damaging"; Align-GVGD: "Class C0"). In summary, the available evidence is currently insufficient to determine the role of this variant in disease. Therefore, it has been classified as a Variant of Uncertain Significance.

NM_001384140.1(PCDH15):c.1664A>C (p.Asp555Ala)

Gene: PCDH15 (protocadherin related 15; minus strand). Cytogenetic location: 10q21.1.
Variant type: single nucleotide variant.
Coding change: c.1664A>C on transcript NM_001384140.1 (MANE Select); coding-DNA position 1664, A replaced by C.
Protein change: p.Asp555Ala; replaces aspartic acid 555 with alanine.
Molecular consequence: missense variant.
Genome position (GRCh38, 1-based): chr10:54,153,220, T>G on the plus strand (A>C on the coding strand, the complement: PCDH15 is on the minus strand). VCF-style: chr10-54153220-T-G. GRCh37 (hg19) VCF-style: chr10-55912980-T-G.
Other names: c.1679A>C, p.Asp560Ala (NM_001142763.2, NM_001142771.2); c.1664A>C, p.Asp555Ala (NM_001142764.2, NM_001142765.2, NM_001142766.2 and 6 more transcripts); c.1553A>C, p.Asp518Ala (NM_001142767.2); c.1598A>C, p.Asp533Ala (NM_001142768.2, NM_001142773.2, NM_001354404.2); c.1700A>C, p.Asp567Ala (NM_001142769.4); c.1685A>C, p.Asp562Ala (NM_001354411.2); short protein forms D555A, D533A, D560A, D562A, D518A, D567A.
Identifiers: ClinVar variation 2155535 (VCV002155535.2), dbSNP rs766479265, ClinGen allele CA5506297.